The following is an entry in ClinVar:

ClinVar aggregate classification (germline): Uncertain significance. Review status: criteria provided, multiple submitters, no conflicts (2 of 4 stars). 4 submissions from 4 submitters: Uncertain significance (4). Last evaluated 2025-04-20.

Conditions:
Neurodevelopmental disorder with seizures, hypotonia, and brain imaging abnormalities. Identifiers: MedGen C5394517, MONDO:0030063, OMIM 618922.
Inborn genetic diseases. Identifiers: MedGen C0950123, MeSH D030342.

Allele frequency attached by ClinVar (database versions not stated): ExAC 0.00001; gnomAD 0.00001; gnomAD exomes 0.00001; TOPMed 0.00001.
gnomAD v4.1: 12 of 1,613,860 alleles (0.00074%); highest among the groups gnomAD compares: East Asian, 0.0067%; no homozygotes.

Submissions (4):

Ambry Genetics
Classification: Uncertain significance for Inborn genetic diseases. Last evaluated: 2025-04-20. Review status: criteria provided, single submitter. Criteria: Ambry Variant Classification Scheme 2023. Collection method: clinical testing. Allele origin: germline.

Victorian Clinical Genetics Services, Murdoch Childrens Research Institute
Classification: Uncertain significance for Neurodevelopmental disorder with seizures, hypotonia, and brain imaging abnormalities. Last evaluated: 2023-12-21. Review status: criteria provided, single submitter. Criteria: ACMG Guidelines, 2015. Collection method: clinical testing. Allele origin: germline. Inheritance: Autosomal recessive inheritance. Affected: yes.
Comment: Based on the classification scheme VCGS_Germline_v1.3.4, this variant is classified as VUS-3A. Following criteria are met: 0102 - Loss of function is a known mechanism of disease in this gene and is associated with neurodevelopmental disorder with seizures, hypotonia, and brain abnormalities (MIM#618922). (I) 0106 - This gene is associated with autosomal recessive disease. (I) 0200 - Variant is predicted to result in a missense amino acid change from cysteine to serine. (I) 0251 - This variant is heterozygous. (I) 0304 - Variant is present in gnomAD (v2) <0.01 for a recessive condition (3 heterozygotes, 0 homozygotes). (SP) 0501 - Missense variant consistently predicted to be damaging by multiple in silico tools or highly conserved with a major amino acid change. (SP) 0600 - Variant is located in the annotated 7 transmembrane sweet-taste receptor of 3 GCPR (DECIPHER). (I) 0705 - No comparable missense variants have previous evidence for pathogenicity. (I) 0809 - Previous evidence of pathogenicity for this variant is inconclusive. This variant has been reported several times as a VUS, where it was observed in trans with another VUS in an individual with severe epilepsy and behavioural issues, and a single hit in another individual who had multiple variants of uncertain significance in other genes (ClinVar, personal communication). (I) 0905 - No published segregation evidence has been identified for this variant. (I) 1007 - No published functional evidence has been identified for this variant. (I) Legend: (SP) - Supporting pathogenic, (I) - Information, (SB) - Supporting benign

GeneDx
Classification: Uncertain significance. Last evaluated: 2022-12-27. Review status: criteria provided, single submitter. Criteria: GeneDx Variant Classification Process June 2021. Collection method: clinical testing. Allele origin: germline. Affected: yes.
Comment: In silico analysis supports that this missense variant has a deleterious effect on protein structure/function; Has not been previously published as pathogenic or benign to our knowledge

Labcorp Genetics (formerly Invitae), Labcorp
Classification: Uncertain significance. Last evaluated: 2021-09-22. Review status: criteria provided, single submitter. Criteria: Invitae Variant Classification Sherloc (09022015). Collection method: clinical testing. Allele origin: germline.
Comment: This sequence change replaces cysteine with serine at codon 770 of the GRM7 protein (p.Cys770Ser). The cysteine residue is highly conserved and there is a moderate physicochemical difference between cysteine and serine. This variant is present in population databases (rs775078382, ExAC 0.01%). This variant has not been reported in the literature in individuals affected with GRM7-related conditions. Algorithms developed to predict the effect of missense changes on protein structure and function (SIFT, PolyPhen-2, Align-GVGD) all suggest that this variant is likely to be disruptive. In summary, the available evidence is currently insufficient to determine the role of this variant in disease. Therefore, it has been classified as a Variant of Uncertain Significance.

NM_000844.4(GRM7):c.2308T>A (p.Cys770Ser)

Gene: GRM7 (glutamate metabotropic receptor 7; plus strand). Cytogenetic location: 3p26.1.
Variant type: single nucleotide variant.
Coding change: c.2308T>A on transcript NM_000844.4 (MANE Select); coding-DNA position 2308, T replaced by A.
Protein change: p.Cys770Ser; replaces cysteine 770 with serine.
Molecular consequence: missense variant.
Genome position (GRCh38, 1-based): chr3:7,579,214, T>A. VCF-style: chr3-7579214-T-A. GRCh37 (hg19) VCF-style: chr3-7620901-T-A.
Other names: c.2308T>A (NM_000844.3); c.2308T>A, p.Cys770Ser (NM_181874.3); short protein forms C770S.
Identifiers: ClinVar variation 1401282 (VCV001401282.11), dbSNP rs775078382, ClinGen allele CA2235057.